The following is an entry in ClinVar:

NM_001276270.2(MBD4):c.1059A>G (p.Leu353=)

Gene: MBD4 (methyl-CpG binding domain 4, DNA glycosylase; minus strand). Cytogenetic location: 3q21.3.
Variant type: single nucleotide variant.
Coding change: c.1059A>G on transcript NM_001276270.2 (MANE Select); coding-DNA position 1059, A replaced by G.
Protein change: p.Leu353=; no amino-acid change (leucine 353 retained).
Molecular consequence: synonymous variant. On other transcripts: intron variant (1).
Genome position (GRCh38, 1-based): chr3:129,436,585, T>C on the plus strand (A>G on the coding strand, the complement: MBD4 is on the minus strand). VCF-style: chr3-129436585-T-C. GRCh37 (hg19) VCF-style: chr3-129155428-T-C.
Other names: c.1059A>G, p.Leu353= (NM_001276271.2, NM_001276272.2, NM_003925.3); c.247+1223A>G (NM_001276273.2).
Identifiers: ClinVar variation 4859566 (VCV004859566.1).

ClinVar aggregate classification (germline): Uncertain significance (1 of 4 stars; one submission).

Conditions:
Inborn genetic diseases. Identifiers: MedGen C0950123, MeSH D030342.

gnomAD v4.1: 1 of 1,614,192 alleles (0.000062%); highest among the groups gnomAD compares: East Asian, 0.0022%; no homozygotes.

Submission:

Ambry Genetics
Classification: Uncertain significance for Inborn genetic diseases. Last evaluated: 2026-03-27. Review status: criteria provided, single submitter. Criteria: Ambry Variant Classification Scheme 2023. Collection method: clinical testing. Allele origin: germline.
Comment: The c.1059A>G variant (also known as p.L353L), located in coding exon 3 of the MBD4 gene, results from an A to G substitution at nucleotide position 1059. This nucleotide substitution does not change the amino acid at codon 353. However, this change occurs in the base pair of coding exon 3, which makes it likely to have some effect on normal mRNA splicing. This nucleotide position is highly conserved in available vertebrate species. In silico splice site analysis for this alteration is inconclusive. Based on the available evidence, the clinical significance of this variant remains unclear.